The following is an entry in ClinVar:

NM_001003699.4(RREB1):c.3504C>T (p.Gly1168=)

Gene: RREB1 (ras responsive element binding protein 1; plus strand). Cytogenetic location: 6p24.3.
Variant type: single nucleotide variant.
Coding change: c.3504C>T on transcript NM_001003699.4 (MANE Select); coding-DNA position 3504, C replaced by T.
Protein change: p.Gly1168=; no amino-acid change (glycine 1168 retained).
Molecular consequence: synonymous variant.
Genome position (GRCh38, 1-based): chr6:7,231,603, C>T. VCF-style: chr6-7231603-C-T. GRCh37 (hg19) VCF-style: chr6-7231836-C-T.
Other names: c.3504C>T, p.Gly1168= (NM_001003698.4, NM_001003700.2, NM_001168344.2).
Identifiers: ClinVar variation 3057881 (VCV003057881.2), dbSNP rs748557889, ClinGen allele CA3626208.
Genomic context (GRCh38, chr6:7,231,603, plus strand): 5'-CACGTCGAAGAAGAGGGGCCGGAAAAGGGGGATGAGGAGCCGACCCCGCGCCAACAGCGG[C>T]GGGGTGGACCTGGACTCCAGCGGGGAGTTTGCCAGCATCGAGAAGATGCTGGCCACCACA-3'
Protein context (NP_001003699.1, residues 1158-1178): GMRSRPRANS[Gly1168=]GVDLDSSGEF

ClinVar aggregate classification (germline): Likely benign (0 of 4 stars; one submission).

Conditions:
RREB1-related disorder. Also called: RREB1-related condition.

Allele frequency attached by ClinVar (database versions not stated): TOPMed 0.00002; gnomAD exomes 0.00003; gnomAD 0.00005; ExAC 0.00007.
gnomAD v4.1: 49 of 1,611,616 alleles (0.003%); highest among the groups gnomAD compares: Middle Eastern, 0.087%; no homozygotes.

Submission:

PreventionGenetics, part of Exact Sciences
Classification: Likely benign for RREB1-related condition. Last evaluated: 2019-03-14. Review status: no assertion criteria provided. Collection method: clinical testing. Allele origin: germline.
Comment: This variant is classified as likely benign based on ACMG/AMP sequence variant interpretation guidelines (Richards et al. 2015 PMID: 25741868, with internal and published modifications).